The following is an entry in ClinVar:

ClinVar aggregate classification (germline): Uncertain significance (1 of 4 stars; one submission).

Submission:

GeneDx
Classification: Uncertain significance. Last evaluated: 2022-10-23. Review status: criteria provided, single submitter. Criteria: GeneDx Variant Classification Process June 2021. Collection method: clinical testing. Allele origin: germline. Affected: yes.
Comment: Not observed at significant frequency in large population cohorts (gnomAD); In silico analysis supports that this missense variant does not alter protein structure/function; Has not been previously published as pathogenic or benign to our knowledge; This variant is associated with the following publications: (PMID: 26100331, 25512093, 25609763)

NM_001376.5(DYNC1H1):c.2024A>G (p.Asn675Ser)

Gene: DYNC1H1 (dynein cytoplasmic 1 heavy chain 1; plus strand). Cytogenetic location: 14q32.31.
Variant type: single nucleotide variant.
Coding change: c.2024A>G on transcript NM_001376.5 (MANE Select); coding-DNA position 2024, A replaced by G.
Protein change: p.Asn675Ser; replaces asparagine 675 with serine.
Molecular consequence: missense variant.
Genome position (GRCh38, 1-based): chr14:101,986,249, A>G. VCF-style: chr14-101986249-A-G. GRCh37 (hg19) VCF-style: chr14-102452586-A-G.
Other names: short protein forms N675S.
Identifiers: ClinVar variation 2499865 (VCV002499865.1), dbSNP rs2503695153, ClinGen allele CA391020331.